The following is an entry in ClinVar:

ClinVar aggregate classification (germline): Pathogenic/Likely pathogenic. Review status: criteria provided, multiple submitters, no conflicts (2 of 4 stars). 2 submissions from 2 submitters: Pathogenic (1); Likely pathogenic (1). Last evaluated 2025-06-23.

Conditions:
FLVCR1-related disorders.

Submissions (2):

Labcorp Genetics (formerly Invitae), Labcorp
Classification: Pathogenic. Last evaluated: 2025-06-23. Review status: criteria provided, single submitter. Criteria: Invitae Variant Classification Sherloc (09022015). Collection method: clinical testing. Allele origin: germline.
Comment: This sequence change creates a premature translational stop signal (p.Gly180Alafs*80) in the FLVCR1 gene. It is expected to result in an absent or disrupted protein product. Loss-of-function variants in FLVCR1 are known to be pathogenic (PMID: 23591405, 27923065). This variant is present in population databases (no rsID available, gnomAD 0.0009%). This variant has not been reported in the literature in individuals affected with FLVCR1-related conditions. ClinVar contains an entry for this variant (Variation ID: 867175). For these reasons, this variant has been classified as Pathogenic.

Blueprint Genetics
Classification: Likely pathogenic for FLVCR1-related disorders. Last evaluated: 2019-06-25. Review status: criteria provided, single submitter. Criteria: ACMG Guidelines, 2015. Collection method: clinical testing. Allele origin: germline. Affected: yes. Observed: 2 variant alleles.

Literature cited by the submitters: PubMed 23591405 (cited by Labcorp Genetics (formerly Invitae), Labcorp); PubMed 27923065 (cited by Labcorp Genetics (formerly Invitae), Labcorp).

NM_014053.4(FLVCR1):c.539del (p.Gly180fs)

Gene: FLVCR1 (FLVCR choline and heme transporter 1; plus strand). Cytogenetic location: 1q32.3.
Variant type: Deletion.
Coding change: c.539del on transcript NM_014053.4 (MANE Select); coding-DNA position 539, one base deleted (G; older notation c.539delG).
Protein change: p.Gly180fs; shifts the reading frame from glycine 180.
Molecular consequence: frameshift variant.
Genome position (GRCh38, 1-based): chr1:212,858,991, G deleted; the last of 3 consecutive G bases (chr1:212,858,989-212,858,991); deleting any one gives the same sequence. VCF-style (leftmost placement, unchanged base first): chr1-212858988-TG-T. GRCh37 (hg19) VCF-style: chr1-213032330-TG-T.
Other names: short protein forms G180fs.
Identifiers: ClinVar variation 867175 (VCV000867175.3), dbSNP rs1216093309, ClinGen allele CA529001420.
Genomic context (GRCh38, chr1:212,858,988, plus strand): 5'-CCCTCATCTTCCCGGCCACCTGGCTGCTGGACACCAGAGGCCTGCGGCTCACCGCCCTGC[TG>T]GGCTCCGGCCTCAACTGCCTGGGTGCCTGGATCAAGTGCGGCAGTGTGCAGCAGCATCTC-3'